The following is an entry in ClinVar:

ClinVar aggregate classification (germline): Uncertain significance (0 of 4 stars; one submission).

Conditions:
DPYSL5-related disorder. Also called: DPYSL5-related condition.

Submission:

PreventionGenetics, part of Exact Sciences
Classification: Uncertain significance for DPYSL5-related condition. Last evaluated: 2024-06-26. Review status: no assertion criteria provided. Collection method: clinical testing. Allele origin: germline.
Comment: The DPYSL5 c.1618A>G variant is predicted to result in the amino acid substitution p.Ile540Val. To our knowledge, this variant has not been reported in the literature or in a large population database, indicating this variant is rare. The Ile540 residue is moderately conserved; however, a valine (Val) is present in multiple species. At this time, the clinical significance of this variant is uncertain due to the absence of conclusive functional and genetic evidence.

NM_020134.4(DPYSL5):c.1618A>G (p.Ile540Val)

Gene: DPYSL5 (dihydropyrimidinase like 5; plus strand). Cytogenetic location: 2p23.3.
Variant type: single nucleotide variant.
Coding change: c.1618A>G on transcript NM_020134.4 (MANE Select); coding-DNA position 1618, A replaced by G.
Protein change: p.Ile540Val; replaces isoleucine 540 with valine.
Molecular consequence: missense variant.
Genome position (GRCh38, 1-based): chr2:26,946,918, A>G. VCF-style: chr2-26946918-A-G. GRCh37 (hg19) VCF-style: chr2-27169786-A-G.
Other names: c.1618A>G, p.Ile540Val (NM_001253723.2, NM_001253724.2); short protein forms I540V.
Identifiers: ClinVar variation 3354022 (VCV003354022.1).
Genomic context (GRCh38, chr2:26,946,918, plus strand): 5'-TTGTTAGCAGGCACAAGAGCCCGTCTCACCCTCTGTGCTTCCTTCCCTGCAGGCTCTCAG[A>G]TCGATGACCATGTTCCAAAGCGAGCTTCAGCTCGGATCCTCGCTCCTCCCGGAGGCAGGT-3'
Protein context (NP_064519.2, residues 530-550): ESSFSLSGSQ[Ile540Val]DDHVPKRASA